The following is an entry in ClinVar:

ClinVar aggregate classification (germline): Uncertain significance (1 of 4 stars; one submission).

Submission:

Labcorp Genetics (formerly Invitae), Labcorp
Classification: Uncertain significance. Last evaluated: 2025-11-11. Review status: criteria provided, single submitter. Criteria: Invitae Variant Classification Sherloc (09022015). Collection method: clinical testing. Allele origin: germline.
Comment: This sequence change replaces cysteine, which is neutral and slightly polar, with tyrosine, which is neutral and polar, at codon 507 of the ATR protein (p.Cys507Tyr). This variant is not present in population databases (gnomAD no frequency). This variant has not been reported in the literature in individuals affected with ATR-related conditions. An algorithm developed to predict the effect of missense changes on protein structure and function (PolyPhen-2) suggests that this variant is likely to be tolerated. In summary, the available evidence is currently insufficient to determine the role of this variant in disease. Therefore, it has been classified as a Variant of Uncertain Significance.

NM_001184.4(ATR):c.1520G>A (p.Cys507Tyr)

Gene: ATR (ATR checkpoint kinase; minus strand). Cytogenetic location: 3q23.
Variant type: single nucleotide variant.
Coding change: c.1520G>A on transcript NM_001184.4 (MANE Select); coding-DNA position 1520, G replaced by A.
Protein change: p.Cys507Tyr; replaces cysteine 507 with tyrosine.
Molecular consequence: missense variant. On other transcripts: intron variant (1).
Genome position (GRCh38, 1-based): chr3:142,560,284, C>T on the plus strand (G>A on the coding strand, the complement: ATR is on the minus strand). VCF-style: chr3-142560284-C-T. GRCh37 (hg19) VCF-style: chr3-142279126-C-T.
Other names: c.1350-843G>A (NM_001354579.2); short protein forms C507Y.
Identifiers: ClinVar variation 4749315 (VCV004749315.1).